The following is an entry in ClinVar:

ClinVar aggregate classification (germline): Uncertain significance (1 of 4 stars; one submission).

Conditions:
Luscan-Lumish syndrome. Identifiers: Orphanet 597738, MedGen C4085873, MONDO:0014791, OMIM 616831.

Submission:

Labcorp Genetics (formerly Invitae), Labcorp
Classification: Uncertain significance for Luscan-Lumish syndrome. Last evaluated: 2020-09-16. Review status: criteria provided, single submitter. Criteria: Invitae Variant Classification Sherloc (09022015). Collection method: clinical testing. Allele origin: germline.
Comment: This sequence change replaces aspartic acid with glutamic acid at codon 362 of the SETD2 protein (p.Asp362Glu). The aspartic acid residue is moderately conserved and there is a small physicochemical difference between aspartic acid and glutamic acid. In summary, the available evidence is currently insufficient to determine the role of this variant in disease. Therefore, it has been classified as a Variant of Uncertain Significance. Algorithms developed to predict the effect of missense changes on protein structure and function (SIFT, PolyPhen-2, Align-GVGD) all suggest that this variant is likely to be tolerated, but these predictions have not been confirmed by published functional studies and their clinical significance is uncertain. This variant has not been reported in the literature in individuals with SETD2-related conditions. This variant is not present in population databases (ExAC no frequency).

NM_014159.7(SETD2):c.1086T>A (p.Asp362Glu)

Gene: SETD2 (SET domain containing 2, histone lysine methyltransferase; minus strand). Cytogenetic location: 3p21.31.
Variant type: single nucleotide variant.
Coding change: c.1086T>A on transcript NM_014159.7 (MANE Select); coding-DNA position 1086, T replaced by A.
Protein change: p.Asp362Glu; replaces aspartic acid 362 with glutamic acid.
Molecular consequence: missense variant. On other transcripts: non-coding transcript variant (1).
Genome position (GRCh38, 1-based): chr3:47,123,550, A>T on the plus strand (T>A on the coding strand, the complement: SETD2 is on the minus strand). VCF-style: chr3-47123550-A-T. GRCh37 (hg19) VCF-style: chr3-47165040-A-T.
Other names: c.954T>A, p.Asp318Glu (NM_001349370.3); short protein forms D318E, D362E.
Identifiers: ClinVar variation 1059744 (VCV001059744.5), dbSNP rs2106706528, ClinGen allele CA352532120.